The following is an entry in ClinVar:

ClinVar aggregate classification (germline): Uncertain significance. Review status: criteria provided, multiple submitters, no conflicts (2 of 4 stars). 3 submissions from 3 submitters: Uncertain significance (3). Last evaluated 2023-09-01.

Allele frequency attached by ClinVar (database versions not stated): 1000 Genomes Project 30x 0.00016; ExAC 0.00038; TOPMed 0.00041; gnomAD 0.00055; gnomAD exomes 0.00059; ESP Exome Variant Server 0.00066.
gnomAD v4.1: 872 of 1,522,868 alleles (0.057%); highest among the groups gnomAD compares: Non-Finnish European, 0.066%; 1 homozygote.

Submissions (3):

CeGaT Center for Human Genetics Tuebingen
Classification: Uncertain significance. Last evaluated: 2023-09-01. Review status: criteria provided, single submitter. Criteria: CeGaT Center For Human Genetics Tuebingen Variant Classification Criteria Version 2. Collection method: clinical testing. Allele origin: germline. Affected: yes. Observed: 1 variant allele.
Comment: DNAH6: PM2

GeneDx
Classification: Uncertain significance. Last evaluated: 2022-05-15. Review status: criteria provided, single submitter. Criteria: GeneDx Variant Classification Process June 2021. Collection method: clinical testing. Allele origin: germline. Affected: yes.
Comment: In silico analysis supports that this missense variant does not alter protein structure/function; Has not been previously published as pathogenic or benign to our knowledge; Variants in candidate genes are classified as variants of uncertain significance in accordance with ACMG guidelines (Richards et al., 2015)

Ambry Genetics
Classification: Uncertain significance. Last evaluated: 2021-07-13. Review status: criteria provided, single submitter. Criteria: Ambry Variant Classification Scheme 2023. Collection method: clinical testing. Allele origin: germline.

NM_001370.2(DNAH6):c.10480C>A (p.Leu3494Ile)

Gene: DNAH6 (dynein axonemal heavy chain 6; plus strand). Cytogenetic location: 2p11.2.
Variant type: single nucleotide variant.
Coding change: c.10480C>A on transcript NM_001370.2 (MANE Select); coding-DNA position 10480, C replaced by A.
Protein change: p.Leu3494Ile; replaces leucine 3494 with isoleucine.
Molecular consequence: missense variant.
Genome position (GRCh38, 1-based): chr2:84,745,217, C>A. VCF-style: chr2-84745217-C-A. GRCh37 (hg19) VCF-style: chr2-84972341-C-A.
Other names: c.10480C>A (NM_001370.1); short protein forms L3494I.
Identifiers: ClinVar variation 2651090 (VCV002651090.26), dbSNP rs199861827, ClinGen allele CA1737699.